The following is an entry in ClinVar:

ClinVar aggregate classification (germline): Conflicting classifications of pathogenicity. Review status: criteria provided, conflicting classifications (1 of 4 stars). 6 submissions from 6 submitters: Likely pathogenic (1); Uncertain significance (5). Last evaluated 2025-11-05.

Conditions:
Cardiovascular phenotype. Identifiers: MedGen CN230736.
Familial thoracic aortic aneurysm and aortic dissection (TAAD). Also called: Thoracic aortic aneurysms and dissections. Identifiers: Orphanet 91387, MedGen C4707243, MONDO:0019625.
Aortic aneurysm, familial thoracic 4 (AAT4). Also called: AORTIC ANEURYSM/AORTIC DISSECTION AND PATENT DUCTUS ARTERIOSUS. Identifiers: MedGen C1851504, MONDO:0007568, OMIM 132900.

Allele frequency attached by ClinVar (database versions not stated): gnomAD exomes 0.00002 and 0.00001; TOPMed 0.00001; gnomAD 0.00001.
gnomAD v4.1: 29 of 1,613,892 alleles (0.0018%); highest among the groups gnomAD compares: Non-Finnish European, 0.0023%; no homozygotes.

Submissions (6):

Color Diagnostics, LLC DBA Color Health
Classification: Uncertain significance for Familial thoracic aortic aneurysm and aortic dissection. Last evaluated: 2025-11-05. Review status: criteria provided, single submitter. Criteria: ACMG Guidelines, 2015. Collection method: clinical testing. Allele origin: germline.
Comment: This missense variant replaces arginine with tryptophan at codon 707 of the MYH11 protein. Computational prediction suggests that this variant may have deleterious impact on protein structure and function. To our knowledge, functional studies have not been reported for this variant. This variant has been reported in an individual affected with Wolff-Parkinson-White syndrome (PMID: 32233023). This variant has been identified in 29/1613892 chromosomes in the general population by the Genome Aggregation Database (gnomAD). The available evidence is insufficient to determine the role of this variant in disease conclusively. Therefore, this variant is classified as a Variant of Uncertain Significance.

Labcorp Genetics (formerly Invitae), Labcorp
Classification: Uncertain significance for Aortic aneurysm, familial thoracic 4. Last evaluated: 2024-08-29. Review status: criteria provided, single submitter. Criteria: Invitae Variant Classification Sherloc (09022015). Collection method: clinical testing. Allele origin: germline.
Comment: This sequence change replaces arginine, which is basic and polar, with tryptophan, which is neutral and slightly polar, at codon 707 of the MYH11 protein (p.Arg707Trp). This variant is present in population databases (no rsID available, gnomAD 0.002%). This variant has not been reported in the literature in individuals affected with MYH11-related conditions. ClinVar contains an entry for this variant (Variation ID: 263807). Invitae Evidence Modeling of protein sequence and biophysical properties (such as structural, functional, and spatial information, amino acid conservation, physicochemical variation, residue mobility, and thermodynamic stability) has been performed for this missense variant. However, the output from this modeling did not meet the statistical confidence thresholds required to predict the impact of this variant on MYH11 protein function. In summary, the available evidence is currently insufficient to determine the role of this variant in disease. Therefore, it has been classified as a Variant of Uncertain Significance.

All of Us Research Program, National Institutes of Health
Classification: Uncertain significance for Familial thoracic aortic aneurysm and aortic dissection. Last evaluated: 2024-04-25. Review status: criteria provided, single submitter. Criteria: ACMG Guidelines, 2015. Collection method: clinical testing. Allele origin: germline. Inheritance: Autosomal dominant inheritance. Observed: 3 variant alleles, 3 heterozygotes.
Comment: Variant of Uncertain Significance due to insufficient evidence: This missense variant is located in the myosin motor domain of the MYH11 protein. Computational prediction tools and conservation analyses suggest that this variant may have deleterious impact on the protein function. Computational splicing tools suggest that this variant may not impact RNA splicing. To our knowledge, functional assays have not been performed for this variant nor has this variant been reported in individuals affected with cardiovascular disorders in the literature. This variant has been identified in 3/276898 chromosomes in the general population by the Genome Aggregation Database (gnomAD). Available evidence is insufficient to determine the pathogenicity of this variant conclusively.

This study involves interpretation of variants in research participants for the purpose of population health screening. Participant phenotype was not available at the time of variant classification. Additional details can be found in publication PMID: 35346344, PMCID: PMC8962531

GeneDx
Classification: Likely pathogenic. Last evaluated: 2023-05-10. Review status: criteria provided, single submitter. Criteria: GeneDx Variant Classification Process June 2021. Collection method: clinical testing. Allele origin: germline. Affected: yes.
Comment: Not observed at significant frequency in large population cohorts (gnomAD); Identified in published literature in a patient with Wolff-Parkinson-White syndrome and supraventricular tachycardia who harbored additional cardiogenetic variants (Coban-Akdemir et al., 2020); In silico analysis supports that this missense variant has a deleterious effect on protein structure/function; Also known as c.2119C>T p.(R707W); This variant is associated with the following publications: (PMID: 36571289, 32233023)

Women's Health and Genetics/Laboratory Corporation of America, LabCorp
Classification: Uncertain significance. Last evaluated: 2022-11-27. Review status: criteria provided, single submitter. Criteria: LabCorp Variant Classification Summary - May 2015. Collection method: clinical testing. Allele origin: germline.
Comment: Variant summary: MYH11 c.2119C>T (p.Arg707Trp) results in a non-conservative amino acid change located in the Myosin head, motor domain (IPR001609) of the encoded protein sequence. Five of five in-silico tools predict a damaging effect of the variant on protein function. The variant allele was found at a frequency of 1.1e-05 in 282506 control chromosomes (gnomAD). The available data on variant occurrences in the general population are insufficient to allow any conclusion about variant significance. c.2119C>T has been reported in the literature in at least one individual affected with Aortopathy with another variant of uncertain significance (Coban-Akdemir_2020). This report does not provide unequivocal conclusions about association of the variant with Aortopathy. To our knowledge, no experimental evidence demonstrating an impact on protein function has been reported. Three ClinVar submitters have assessed the variant since 2014: two classified the variant as uncertain significance and one as likely pathogenic. Based on the evidence outlined above, the variant was classified as uncertain significance.

Ambry Genetics
Classification: Uncertain significance for Cardiovascular phenotype. Last evaluated: 2013-11-21. Review status: criteria provided, single submitter. Criteria: Ambry Autosomal Dominant and X-Linked criteria (10/2015). Collection method: clinical testing. Allele origin: germline. Observed: 1 variant allele.
Comment: The p.R700W variant (also known as c.2098C>T) is located in coding exon 16 of the MYH11 gene. This alteration results from a C to T substitution at nucleotide position 2098. The arginine at codon 700 is replaced by tryptophan, an amino acid with dissimilar properties. This variant was not reported in population-based cohorts in the following databases: Database of Single Nucleotide Polymorphisms (dbSNP), NHLBI Exome Sequencing Project (ESP) and 1000 Genomes Project. Based on protein sequence alignment, this amino acid position is conserved in available vertebrate species except for one species of fish. In addition, this alteration is predicted to be deleterious by in silico analysis. Since supporting evidence is limited at this time, the clinical significance of this variant remains unclear.Ã¢â‚¬â€¹

Literature cited by the submitters: PubMed 32233023 (cited by Color Diagnostics, LLC DBA Color Health and Women's Health and Genetics/Laboratory Corporation of America, LabCorp).

NM_002474.3(MYH11):c.2098C>T (p.Arg700Trp)

Gene: MYH11 (myosin heavy chain 11; minus strand). Cytogenetic location: 16p13.11.
Variant type: single nucleotide variant.
Coding change: c.2098C>T on transcript NM_002474.3 (MANE Select); coding-DNA position 2098, C replaced by T.
Protein change: p.Arg700Trp; replaces arginine 700 with tryptophan.
Molecular consequence: missense variant.
Genome position (GRCh38, 1-based): chr16:15,748,129, G>A on the plus strand (C>T on the coding strand, the complement: MYH11 is on the minus strand). VCF-style: chr16-15748129-G-A. GRCh37 (hg19) VCF-style: chr16-15841986-G-A.
Other names: c.2119C>T, p.Arg707Trp (NM_001040113.2, NM_001040114.2); c.2098C>T, p.Arg700Trp (NM_022844.3); short protein forms R700W, R707W.
Identifiers: ClinVar variation 263807 (VCV000263807.20), dbSNP rs886038932, ClinGen allele CA10587896.